The following is an entry in ClinVar:

NM_004385.5(VCAN):c.5054C>T (p.Pro1685Leu)

Genes: VCAN (versican; plus strand), VCAN-AS1 (VCAN antisense RNA 1; minus strand). Cytogenetic location: 5q14.3.
Variant type: single nucleotide variant.
Coding change: c.5054C>T on transcript NM_004385.5 (MANE Select); coding-DNA position 5054, C replaced by T.
Protein change: p.Pro1685Leu; replaces proline 1685 with leucine.
Molecular consequence: missense variant. On other transcripts: intron variant (2).
Genome position (GRCh38, 1-based): chr5:83,538,057, C>T. VCF-style: chr5-83538057-C-T. GRCh37 (hg19) VCF-style: chr5-82833876-C-T.
Other names: c.2093C>T, p.Pro698Leu (NM_001164097.2); c.4004-7480C>T (NM_001164098.2); c.1043-7480C>T (NM_001126336.3); short protein forms P698L, P1685L.
Identifiers: ClinVar variation 850433 (VCV000850433.9), dbSNP rs770780608, ClinGen allele CA3333271.

ClinVar aggregate classification (germline): Uncertain significance (1 of 4 stars; one submission).

Allele frequency attached by ClinVar (database versions not stated): gnomAD exomes below 0.00001; TOPMed below 0.00001; ExAC 0.00001.
gnomAD v4.1: 5 of 1,614,016 alleles (0.00031%); highest among the groups gnomAD compares: Non-Finnish European, 0.00042%; no homozygotes.

Submission:

Labcorp Genetics (formerly Invitae), Labcorp
Classification: Uncertain significance. Last evaluated: 2024-01-02. Review status: criteria provided, single submitter. Criteria: Invitae Variant Classification Sherloc (09022015). Collection method: clinical testing. Allele origin: germline.
Comment: This sequence change replaces proline, which is neutral and non-polar, with leucine, which is neutral and non-polar, at codon 1685 of the VCAN protein (p.Pro1685Leu). This variant is present in population databases (rs770780608, gnomAD 0.0009%). This variant has not been reported in the literature in individuals affected with VCAN-related conditions. ClinVar contains an entry for this variant (Variation ID: 850433). An algorithm developed to predict the effect of missense changes on protein structure and function (PolyPhen-2) suggests that this variant is likely to be disruptive. In summary, the available evidence is currently insufficient to determine the role of this variant in disease. Therefore, it has been classified as a Variant of Uncertain Significance.